The following continues an entry in ClinVar:

NM_000137.4(FAH):c.782C>T (p.Pro261Leu)

Gene: FAH. ClinVar aggregate classification (germline): Pathogenic/Likely pathogenic. Pathogenic (15); Likely pathogenic (3).

Submissions 15 to 20 of 20:

Myriad Genetics, Inc.
Classification: Likely pathogenic for Tyrosinemia type I. Last evaluated: 2019-10-18. Review status: criteria provided, single submitter. Criteria: Myriad Women's Health Autosomal Recessive and X-Linked Classification Criteria (2019). Collection method: clinical testing. Allele origin: unknown.
Comment: NM_000137.2(FAH):c.782C>T(P261L) is classified as likely pathogenic in the context of tyrosinemia type I. Sources cited for classification include the following: PMID 11754109, 9633815, 15187789, and 9633815. Classification of NM_000137.2(FAH):c.782C>T(P261L) is based on the following criteria: This variant has been observed more frequently in patients with clinical diagnoses than in healthy populations. Please note: this variant was assessed in the context of healthy population screening.â€šÃ„Ã¶âˆšÃ‘âˆšÂ£

Women's Health and Genetics/Laboratory Corporation of America, LabCorp
Classification: Pathogenic for Tyrosinemia type I. Last evaluated: 2016-10-06. Review status: criteria provided, single submitter. Criteria: LabCorp Variant Classification Summary - May 2015. Collection method: clinical testing. Allele origin: germline.
Comment: Variant summary: The FAH c.782C>T (p.Pro261Leu) variant located in the fumarylacetoacestase, C-terminal-related domain (via InterPro) causes a missense change involving a conserved nucleotide with 5/5 in silico tools predict a damaging outcome, although these predictions have yet to be functionally assessed. The variant of interest was observed in the large, broad control population, ExAC, with allele frequency of 16/121404, predominantly in the European (Non-Finnish), 15/66732 (1/4448), which does not exceed the estimated maximal expected allele frequency for a pathogenic FAH variant of 1/400. The variant of interest has been reported in multiple affected individuals in a homozygous state via publications. In addition, multiple reputable databases/clinical diagnostic laboratories cite the variant as "pathogenic." Therefore, the variant of interest has been classified as Pathogenic.

Eurofins Ntd Llc (ga)
Classification: Pathogenic. Last evaluated: 2014-02-19. Review status: criteria provided, single submitter. Criteria: EGL Classification Definitions 2015. Collection method: clinical testing. Allele origin: germline. Observed: 4 variant alleles, 3 heterozygotes, 1 homozygote.

Juno Genomics, Hangzhou Juno Genomics, Inc
Classification: Likely pathogenic for Tyrosinemia type I. Review status: criteria provided, single submitter. Criteria: ACMG Guidelines, 2015. Collection method: clinical testing. Allele origin: germline.
Comment: Absent from controls (or at extremely low frequency if recessive) in Genome Aggregation Database.;Multiple lines of computational evidence support a deleterious effect on the gene or gene product.;For recessive disorders, detected in trans with a pathogenic variant.;Patient's phenotype or family history is highly specific for a disease with a single genetic etiology.

GeneReviews
No classification provided. Condition: Tyrosinemia type I. Review status: no classification provided. Collection method: literature only. Allele origin: germline. Not counted in ClinVar's aggregate classification.
Comment: Ashkenazi Jewish-specific pathogenic variant resulting from founder effect or genetic drift [Angileri et al 2015].

Illumina Laboratory Services, Illumina
Classification: Pathogenic for Tyrosinemia type I. Last evaluated: 2017-09-13. Review status: flagged submission. Criteria: ICSL Variant Classification Criteria 09 May 2019. Collection method: clinical testing. Allele origin: germline. Not counted in ClinVar's aggregate classification.
Comment: The FAH c.782C>T (p.Pro261Leu) variant is one of the four most common variants seen in patients with tyrosinemia type I, and is often observed in affected individuals of Ashkenazi Jewish descent (Sniderman King et al. 2017). The p.Pro261Leu variant has been reported in three studies in which it is found in a homozygous state in seven Israeli individuals with tyrosinemia type I (Bergman et al. 1998; Elpeleg et al. 2002; Korman and Gutman 2004). Control data are unavailable for this variant, which is reported at a frequency of 0.00374 in the Ashkenazi Jewish population of the Genome Aggregation Database. Based on the evidence, the p.Pro261Leu variant is classified as pathogenic for tyrosinemia. This variant was observed by ICSL as part of a predisposition screen in an ostensibly healthy population.
ClinVar note: Reason: This record appears to be redundant with a more recent record from the same submitter.
ClinVar note: Notes: SCV000915695 appears to be redundant with SCV003802807.

Literature cited by the submitters: PubMed 9633815 (cited by 4 submitters); PubMed 11754109 (cited by 5 submitters); PubMed 21764616 (cited by 5 submitters); PubMed 31998365 (cited by Labcorp Genetics (formerly Invitae), Labcorp); PubMed 35800472 (cited by Labcorp Genetics (formerly Invitae), Labcorp); PubMed 33882394 (cited by Natera, Inc.); PubMed 20301688 (cited by Illumina Laboratory Services, Illumina and GeneReviews); PubMed 31300554 (cited by Illumina Laboratory Services, Illumina); PubMed 15187789 (cited by Myriad Genetics, Inc. and Illumina Laboratory Services, Illumina); NCBI Bookshelf NBK1515 (cited by GeneReviews); PubMed 25681080 (cited by GeneReviews).